The following is an entry in ClinVar:

ClinVar aggregate classification (germline): Uncertain significance. Review status: criteria provided, single submitter (1 of 4 stars). 2 submissions from 2 submitters: Uncertain significance (1). 1 of the submissions does not count toward it. Last evaluated 2023-10-18.

Conditions:
Congenital hypothalamic hamartoma syndrome. Also called: PALLISTER-HALL-LIKE SYNDROME. Identifiers: MedGen C5435677, MONDO:0009436, OMIM 241800.

Allele frequency attached by ClinVar (database versions not stated): ExAC below 0.00001; gnomAD exomes 0.00003 and 0.00007; gnomAD 0.00013 and 0.00015; TOPMed 0.00017.

Submissions (2):

Clinical Genomics Laboratory, Washington University in St. Louis
Classification: Uncertain significance for Congenital hypothalamic hamartoma syndrome. Last evaluated: 2023-10-18. Review status: criteria provided, single submitter. Criteria: ACMG Guidelines, 2015. Collection method: clinical testing. Allele origin: germline.
Comment: The SMO c.2057C>T (p,Ala686Val) variant was identified at a near heterozygous allelic fraction of 50.5%, a frequency which may be consistent with germline origin. To our knowledge, this variant has not been reported in the medical literature but has been identified in three cancer cases in the cancer database COSMIC (COSMIC ID: COSV50825674). Computational predictors suggest that the variant does not impact SMO function. Due to limited information, and based on the ACMG/AMP guidelines for variant interpretation (Richards S et al., PMID: 25741868), the clinical significance of this variant is uncertain at this time.

ITMI
No classification provided. Condition: AllHighlyPenetrant. Last evaluated: 2013-09-19. Review status: no classification provided. Collection method: reference population. Allele origin: germline. Not counted in ClinVar's aggregate classification.
Comment: Please see associated publication for description of ethnicities

Literature cited by the submitters: PubMed 24728327 (cited by ITMI).

NM_005631.5(SMO):c.2057C>T (p.Ala686Val)

Gene: SMO (smoothened, frizzled class receptor; plus strand). Cytogenetic location: 7q32.1.
Variant type: single nucleotide variant.
Coding change: c.2057C>T on transcript NM_005631.5 (MANE Select); coding-DNA position 2057, C replaced by T.
Protein change: p.Ala686Val; replaces alanine 686 with valine.
Molecular consequence: missense variant.
Genome position (GRCh38, 1-based): chr7:129,212,144, C>T. VCF-style: chr7-129212144-C-T. GRCh37 (hg19) VCF-style: chr7-128851985-C-T.
Other names: c.2057C>T, p.Ala686Val (LRG_1393t1); short protein forms A686V.
Identifiers: ClinVar variation 135576 (VCV000135576.2), dbSNP rs587778688, ClinGen allele CA163027.